The following is an entry in ClinVar:

NM_138694.4(PKHD1):c.6490+1G>A

Gene: PKHD1 (PKHD1 ciliary IPT domain containing fibrocystin/polyductin; minus strand). Cytogenetic location: 6p12.2.
Variant type: single nucleotide variant.
Coding change: c.6490+1G>A on transcript NM_138694.4 (MANE Select); the canonical splice donor site of the intron after coding-DNA position 6490, G replaced by A.
Molecular consequence: splice donor variant.
Genome position (GRCh38, 1-based): chr6:51,911,798, C>T on the plus strand (G>A on the coding strand, the complement: PKHD1 is on the minus strand). VCF-style: chr6-51911798-C-T. GRCh37 (hg19) VCF-style: chr6-51776596-C-T.
Other names: c.6490+1G>A (NM_170724.3).
Identifiers: ClinVar variation 552252 (VCV000552252.3), dbSNP rs1554133736, ClinGen allele CA364437787.

ClinVar aggregate classification (germline): Likely pathogenic. Review status: criteria provided, single submitter (1 of 4 stars). 2 submissions from 2 submitters: Likely pathogenic (1). 1 of the submissions does not count toward it. Last evaluated 2025-02-19.

Conditions:
Autosomal recessive polycystic kidney disease (ARPKD). Also called: AR polycystic kidney disease. Identifiers: Orphanet 731, Orphanet 8378, MedGen C0085548, MeSH D017044, MONDO:0009889.
Polycystic kidney disease 4 (PKD4). Also called: POLYCYSTIC KIDNEY DISEASE 4 WITH OR WITHOUT POLYCYSTIC LIVER DISEASE; POLYCYSTIC KIDNEY AND HEPATIC DISEASE 1; POLYCYSTIC KIDNEY DISEASE, INFANTILE, TYPE I; PKD3; Autosomal Recessive Polycystic Kidney Disease – PKHD1. Identifiers: MedGen C4540575, MONDO:0033004, OMIM 263200.

Submissions (2):

Natera, Inc.
Classification: Likely pathogenic for Autosomal recessive polycystic kidney disease. Last evaluated: 2025-02-19. Review status: criteria provided, single submitter. Criteria: Natera Variant Classification Schema (03/2026). Collection method: clinical testing. Allele origin: germline.
Comment: The c.6490+1G>A variant in PKHD1 is a canonical splice donor site variant predicted to affect pre-mRNA splicing, which may result in an abnormal transcript and altered protein product. This variant is expected to result in nonsense mediated decay, truncation, or a dysfunctional protein product. This variant is rare in the general population with a frequency below the threshold expected for the associated phenotype(s). Given the available evidence, this variant is classified as Likely Pathogenic.

Counsyl
Classification: Likely pathogenic for Polycystic kidney disease 4. Last evaluated: 2017-05-31. Review status: no assertion criteria provided. Collection method: clinical testing. Allele origin: unknown. Not counted in ClinVar's aggregate classification.